The following is an entry in ClinVar:

NM_033380.3(COL4A5):c.2396-1G>T

Gene: COL4A5 (collagen type IV alpha 5 chain; plus strand). Cytogenetic location: Xq22.3.
Variant type: single nucleotide variant.
Coding change: c.2396-1G>T on transcript NM_033380.3 (MANE Select); the canonical splice acceptor site of the intron before coding-DNA position 2396, G replaced by T.
Molecular consequence: splice acceptor variant.
Genome position (GRCh38, 1-based): chrX:108,614,910, G>T. VCF-style: chrX-108614910-G-T. GRCh37 (hg19) VCF-style: chrX-107858140-G-T.
Other names: c.2396-1G>T (NM_000495.5).
Identifiers: ClinVar variation 280273 (VCV000280273.2), dbSNP rs886041509, ClinGen allele CA10603702.

ClinVar aggregate classification (germline): Pathogenic (1 of 4 stars; one submission).

Submission:

GeneDx
Classification: Pathogenic. Last evaluated: 2016-10-31. Review status: criteria provided, single submitter. Criteria: GeneDx Variant Classification (06012015). Collection method: clinical testing. Allele origin: germline. Affected: yes.
Comment: The c.2396-1G>T splice site variant in the COL4A5 gene destroys the canonical splice acceptor site in intron 29. It is predicted to cause abnormal gene splicing, either leading to an abnormal message that is subject to nonsense-mediated mRNA decay, or to an abnormal protein product if the message is used for protein translation. A different splice site variant at the same position (c.2396-1G>A) has been previously reported in association with Alport syndrome (Beicht et al., 2013).